The following is an entry in ClinVar:

ClinVar aggregate classification (germline): Conflicting classifications of pathogenicity. Review status: criteria provided, conflicting classifications (1 of 4 stars). 4 submissions from 4 submitters: Uncertain significance (3); Likely benign (1). Last evaluated 2025-03-25.

Conditions:
POLD1-related polyposis and colorectal cancer syndrome (CRCS10). Also called: Colorectal cancer, susceptibility to, 10; Colorectal cancer 10; COLORECTAL CANCER, SUSCEPTIBILITY TO, ON CHROMOSOME 19q. Identifiers: Orphanet 220460, MedGen C2675481, MONDO:0012953, OMIM 612591.
Hereditary cancer-predisposing syndrome. Also called: Neoplastic Syndromes, Hereditary; Hereditary neoplastic syndrome; Hereditary Cancer Syndrome; Tumor predisposition. Identifiers: Orphanet 140162, MedGen C0027672, MeSH D009386, MONDO:0015356.

Allele frequency attached by ClinVar (database versions not stated): TOPMed below 0.00001; gnomAD 0.00001; gnomAD exomes 0.00001 and 0.00002; ExAC 0.00003; 1000 Genomes Project 0.00020; 1000 Genomes Project 30x 0.00031.
gnomAD v4.1: 15 of 1,611,144 alleles (0.00093%); highest among the groups gnomAD compares: South Asian, 0.0044%; no homozygotes.

Submissions (4):

Ambry Genetics
Classification: Likely benign for Hereditary cancer-predisposing syndrome. Last evaluated: 2025-03-25. Review status: criteria provided, single submitter. Criteria: Ambry Variant Classification Scheme 2023. Collection method: clinical testing. Allele origin: germline.

Labcorp Genetics (formerly Invitae), Labcorp
Classification: Uncertain significance for POLD1-related polyposis and colorectal cancer syndrome. Last evaluated: 2024-09-26. Review status: criteria provided, single submitter. Criteria: Invitae Variant Classification Sherloc (09022015). Collection method: clinical testing. Allele origin: germline.
Comment: This sequence change replaces valine, which is neutral and non-polar, with isoleucine, which is neutral and non-polar, at codon 248 of the POLD1 protein (p.Val248Ile). This variant is present in population databases (rs538267691, gnomAD 0.007%). This variant has not been reported in the literature in individuals affected with POLD1-related conditions. ClinVar contains an entry for this variant (Variation ID: 408099). Invitae Evidence Modeling of protein sequence and biophysical properties (such as structural, functional, and spatial information, amino acid conservation, physicochemical variation, residue mobility, and thermodynamic stability) indicates that this missense variant is not expected to disrupt POLD1 protein function with a negative predictive value of 80%. In summary, the available evidence is currently insufficient to determine the role of this variant in disease. Therefore, it has been classified as a Variant of Uncertain Significance.

Quest Diagnostics Nichols Institute San Juan Capistrano
Classification: Uncertain significance. Last evaluated: 2020-03-25. Review status: criteria provided, single submitter. Criteria: Quest Diagnostics criteria. Collection method: clinical testing. Allele origin: unknown.

GeneDx
Classification: Uncertain significance. Last evaluated: 2016-05-16. Review status: criteria provided, single submitter. Criteria: GeneDx Variant Classification (06012015). Collection method: clinical testing. Allele origin: germline. Affected: yes.
Comment: This variant is denoted POLD1 c.742G>A at the cDNA level, p.Val248Ile (V248I) at the protein level, and results in the change of a Valine to an Isoleucine (GTC>ATC). This variant has not, to our knowledge, been published in the literature as pathogenic or benign. POLD1 Val248Ile was not observed at a significant allele frequency in the NHLBI Exome Sequencing Project. Since Valine and Isoleucine share similar properties, this is considered a conservative amino acid substitution. POLD1 Val248Ile occurs at a position where amino acids with properties similar to Valine are tolerated across species and is not located in a known functional domain (Tahirov 2009, Preston 2010). In silico analyses are inconsistent regarding the effect this variant may have on protein structure and function. Based on currently available evidence, it is unclear whether POLD1 Val248Ile is a pathogenic or benign variant. We consider it to be a variant of uncertain significance.

NM_002691.4(POLD1):c.742G>A (p.Val248Ile)

Gene: POLD1 (DNA polymerase delta 1, catalytic subunit; plus strand). Cytogenetic location: 19q13.33.
Variant type: single nucleotide variant.
Coding change: c.742G>A on transcript NM_002691.4 (MANE Select); coding-DNA position 742, G replaced by A.
Protein change: p.Val248Ile; replaces valine 248 with isoleucine.
Molecular consequence: missense variant. On other transcripts: non-coding transcript variant (1).
Genome position (GRCh38, 1-based): chr19:50,402,357, G>A. VCF-style: chr19-50402357-G-A. GRCh37 (hg19) VCF-style: chr19-50905614-G-A.
Other names: c.742G>A, p.Val248Ile (NM_001256849.1, NM_001308632.1); c.742G>A (NM_002691.2); short protein forms V248I.
Identifiers: ClinVar variation 408099 (VCV000408099.12), dbSNP rs538267691, ClinGen allele CA9595874.